The following is an entry in ClinVar:

NM_000302.4(PLOD1):c.742-5G>A

Gene: PLOD1 (procollagen-lysine,2-oxoglutarate 5-dioxygenase 1; plus strand). Cytogenetic location: 1p36.22.
Variant type: single nucleotide variant.
Coding change: c.742-5G>A on transcript NM_000302.4 (MANE Select); 5 bases into the intron before coding-DNA position 742, G replaced by A.
Molecular consequence: intron variant.
Genome position (GRCh38, 1-based): chr1:11,957,837, G>A. VCF-style: chr1-11957837-G-A. GRCh37 (hg19) VCF-style: chr1-12017894-G-A.
Other names: c.883-5G>A (NM_001316320.2).
Identifiers: ClinVar variation 1152211 (VCV001152211.12), dbSNP rs746658625, ClinGen allele CA598122.

ClinVar aggregate classification (germline): Conflicting classifications of pathogenicity. Review status: criteria provided, conflicting classifications (1 of 4 stars). 3 submissions from 3 submitters: Uncertain significance (1); Likely benign (2). Last evaluated 2026-04-14.

Conditions:
Familial thoracic aortic aneurysm and aortic dissection (TAAD). Also called: Thoracic aortic aneurysms and dissections. Identifiers: Orphanet 91387, MedGen C4707243, MONDO:0019625.
Ehlers-Danlos syndrome, kyphoscoliotic type 1 (EDSKSCL1). Also called: PLOD1-Related Kyphoscoliotic Ehlers-Danlos Syndrome; EHLERS-DANLOS SYNDROME, OCULAR-SCOLIOTIC TYPE; EHLERS-DANLOS SYNDROME, TYPE VIA; Ehlers-Danlos syndrome, hydroxylysine-deficient. Identifiers: Orphanet 1900, MedGen C0268342, MONDO:0016002, OMIM 225400. Disease mechanism: loss of function.

Allele frequency attached by ClinVar (database versions not stated): gnomAD 0.00004 and 0.00005; TOPMed 0.00004.
gnomAD v4.1: 66 of 1,610,248 alleles (0.0041%); highest among the groups gnomAD compares: Middle Eastern, 0.016%; no homozygotes.

Submissions (3):

Women's Health and Genetics/Laboratory Corporation of America, LabCorp
Classification: Likely benign. Last evaluated: 2026-04-14. Review status: criteria provided, single submitter. Criteria: LabCorp Variant Classification Summary - May 2015. Collection method: clinical testing. Allele origin: germline.

Labcorp Genetics (formerly Invitae), Labcorp
Classification: Likely benign for Ehlers-Danlos syndrome, kyphoscoliotic type 1. Last evaluated: 2026-01-14. Review status: criteria provided, single submitter. Criteria: Invitae Variant Classification Sherloc (09022015). Collection method: clinical testing. Allele origin: germline.

Ambry Genetics
Classification: Uncertain significance for Familial thoracic aortic aneurysm and aortic dissection. Last evaluated: 2023-02-27. Review status: criteria provided, single submitter. Criteria: Ambry Variant Classification Scheme 2023. Collection method: clinical testing. Allele origin: germline.
Comment: The c.742-5G>A intronic variant results from a G to A substitution 5 nucleotides upstream from coding exon 8 in the PLOD1 gene. This nucleotide position is poorly conserved in available vertebrate species. In silico splice site analysis predicts that this alteration will not have any significant effect on splicing. Since supporting evidence is limited at this time, the clinical significance of this alteration remains unclear.